The following is an entry in ClinVar:

NM_001365536.1(SCN9A):c.4260+3A>G

Genes: SCN1A-AS1 (SCN1A and SCN9A antisense RNA 1; plus strand), SCN9A (sodium voltage-gated channel alpha subunit 9; minus strand). Cytogenetic location: 2q24.3.
Variant type: single nucleotide variant.
Coding change: c.4260+3A>G on transcript NM_001365536.1 (MANE Select); 3 bases into the intron after coding-DNA position 4260, A replaced by G.
Molecular consequence: intron variant.
Genome position (GRCh38, 1-based): chr2:166,227,667, T>C on the plus strand (A>G on the coding strand, the complement: SCN9A is on the minus strand). VCF-style: chr2-166227667-T-C. GRCh37 (hg19) VCF-style: chr2-167084177-T-C.
Other names: c.4227+3A>G (NM_002977.4).
Identifiers: ClinVar variation 2651505 (VCV002651505.23), dbSNP rs2468972207, ClinGen allele CA2661765162.

ClinVar aggregate classification (germline): Uncertain significance (1 of 4 stars; one submission).

Allele frequency attached by ClinVar (database versions not stated): gnomAD exomes below 0.00001.
gnomAD v4.1: 3 of 1,496,140 alleles (0.0002%); highest among the groups gnomAD compares: Non-Finnish European, 0.000091%; no homozygotes.

Submission:

CeGaT Center for Human Genetics Tuebingen
Classification: Uncertain significance. Last evaluated: 2022-10-01. Review status: criteria provided, single submitter. Criteria: CeGaT Center For Human Genetics Tuebingen Variant Classification Criteria Version 2. Collection method: clinical testing. Allele origin: germline. Affected: yes. Observed: 1 variant allele.
Comment: SCN9A: PM2, BP4